The following is an entry in ClinVar:

ClinVar aggregate classification (germline): Uncertain significance. Review status: criteria provided, multiple submitters, no conflicts (2 of 4 stars). 4 submissions from 4 submitters: Uncertain significance (4). Last evaluated 2025-08-01.

Conditions:
Inborn genetic diseases. Identifiers: MedGen C0950123, MeSH D030342.

Allele frequency attached by ClinVar (database versions not stated): TOPMed 0.00010; gnomAD 0.00011; ESP Exome Variant Server 0.00015.
gnomAD v4.1: 206 of 1,613,832 alleles (0.013%); highest among the groups gnomAD compares: Non-Finnish European, 0.017%; no homozygotes.

Submissions (4):

GeneDx
Classification: Uncertain significance. Last evaluated: 2025-08-01. Review status: criteria provided, single submitter. Criteria: GeneDx Variant Classification Process June 2021. Collection method: clinical testing. Allele origin: germline. Affected: yes.
Comment: Not observed at significant frequency in large population cohorts (gnomAD); In silico analysis supports that this missense variant has a deleterious effect on protein structure/function; Has not been previously published as pathogenic or benign to our knowledge

Labcorp Genetics (formerly Invitae), Labcorp
Classification: Uncertain significance. Last evaluated: 2024-11-18. Review status: criteria provided, single submitter. Criteria: Invitae Variant Classification Sherloc (09022015). Collection method: clinical testing. Allele origin: germline.
Comment: This sequence change replaces threonine, which is neutral and polar, with alanine, which is neutral and non-polar, at codon 1581 of the LAMA1 protein (p.Thr1581Ala). This variant is present in population databases (rs148171853, gnomAD 0.01%). This variant has not been reported in the literature in individuals affected with LAMA1-related conditions. ClinVar contains an entry for this variant (Variation ID: 2211682). Invitae Evidence Modeling of protein sequence and biophysical properties (such as structural, functional, and spatial information, amino acid conservation, physicochemical variation, residue mobility, and thermodynamic stability) indicates that this missense variant is not expected to disrupt LAMA1 protein function with a negative predictive value of 80%. In summary, the available evidence is currently insufficient to determine the role of this variant in disease. Therefore, it has been classified as a Variant of Uncertain Significance.

Blueprint Genetics
Classification: Uncertain significance. Last evaluated: 2024-09-13. Review status: criteria provided, single submitter. Criteria: ACMG Guidelines, 2015. Collection method: clinical testing. Allele origin: germline.

Ambry Genetics
Classification: Uncertain significance for Inborn genetic diseases. Last evaluated: 2022-02-28. Review status: criteria provided, single submitter. Criteria: Ambry Variant Classification Scheme 2023. Collection method: clinical testing. Allele origin: germline.

NM_005559.4(LAMA1):c.4741A>G (p.Thr1581Ala)

Gene: LAMA1 (laminin subunit alpha 1; minus strand). Cytogenetic location: 18p11.31.
Variant type: single nucleotide variant.
Coding change: c.4741A>G on transcript NM_005559.4 (MANE Select); coding-DNA position 4741, A replaced by G.
Protein change: p.Thr1581Ala; replaces threonine 1581 with alanine.
Molecular consequence: missense variant.
Genome position (GRCh38, 1-based): chr18:6,997,807, T>C on the plus strand (A>G on the coding strand, the complement: LAMA1 is on the minus strand). VCF-style: chr18-6997807-T-C. GRCh37 (hg19) VCF-style: chr18-6997806-T-C.
Other names: short protein forms T1581A.
Identifiers: ClinVar variation 2211682 (VCV002211682.6), dbSNP rs148171853, ClinGen allele CA8881815.